The following is an entry in ClinVar:

ClinVar aggregate classification (germline): Benign/Likely benign. Review status: criteria provided, multiple submitters, no conflicts (2 of 4 stars). 2 submissions from 2 submitters: Benign (1); Likely benign (1). Last evaluated 2026-02-03.

Allele frequency attached by ClinVar (database versions not stated): 1000 Genomes Project 30x 0.00234; 1000 Genomes Project 0.00240; TOPMed 0.00495; gnomAD 0.00563 and 0.00569; gnomAD exomes 0.00666; ESP Exome Variant Server 0.00700; ExAC 0.00731.
gnomAD v4.1: 11,535 of 1,582,104 alleles (0.73%); highest among the groups gnomAD compares: Non-Finnish European, 0.82%; 65 homozygotes.

Submissions (2):

Labcorp Genetics (formerly Invitae), Labcorp
Classification: Benign. Last evaluated: 2026-02-03. Review status: criteria provided, single submitter. Criteria: Invitae Variant Classification Sherloc (09022015). Collection method: clinical testing. Allele origin: germline.

CeGaT Center for Human Genetics Tuebingen
Classification: Likely benign. Last evaluated: 2023-05-01. Review status: criteria provided, single submitter. Criteria: CeGaT Center For Human Genetics Tuebingen Variant Classification Criteria Version 2. Collection method: clinical testing. Allele origin: germline. Affected: yes. Observed: 3 variant alleles.
Comment: LSR: BP4, BP7, BS2

NM_205834.4(LSR):c.150C>T (p.Tyr50=)

Gene: LSR (lipolysis stimulated lipoprotein receptor; plus strand). Cytogenetic location: 19q13.12.
Variant type: single nucleotide variant.
Coding change: c.150C>T on transcript NM_205834.4 (MANE Select); coding-DNA position 150, C replaced by T.
Protein change: p.Tyr50=; no amino-acid change (tyrosine 50 retained).
Molecular consequence: synonymous variant.
Genome position (GRCh38, 1-based): chr19:35,250,355, C>T. VCF-style: chr19-35250355-C-T. GRCh37 (hg19) VCF-style: chr19-35741258-C-T.
Other names: c.150C>T, p.Tyr50= (NM_001260489.2, NM_001260490.2, NM_001385215.1 and 2 more transcripts).
Identifiers: ClinVar variation 708245 (VCV000708245.31), dbSNP rs141731488, ClinGen allele CA9374599.
Genomic context (GRCh38, chr19:35,250,355, plus strand): 5'-GTCTCTCCTCTTGCCCTCAGCTCCTGCCAGGGCCATCCAGGTGACCGTGTCCAACCCCTA[C>T]CACGTGGTGATCCTCTTCCAGCCTGTGACCCTGCCCTGTACCTACCAGATGACCTCGACC-3'
Protein context (NP_991403.2, residues 40-60): RAIQVTVSNP[Tyr50=]HVVILFQPVT